The following is an entry in ClinVar:

NM_000258.3(MYL3):c.383G>T (p.Gly128Val)

Gene: MYL3 (myosin light chain 3; minus strand). Cytogenetic location: 3p21.31.
Variant type: single nucleotide variant.
Coding change: c.383G>T on transcript NM_000258.3 (MANE Select); coding-DNA position 383, G replaced by T.
Protein change: p.Gly128Val; replaces glycine 128 with valine.
Molecular consequence: missense variant.
Genome position (GRCh38, 1-based): chr3:46,859,573, C>A on the plus strand (G>T on the coding strand, the complement: MYL3 is on the minus strand). VCF-style: chr3-46859573-C-A. GRCh37 (hg19) VCF-style: chr3-46901063-C-A.
Other names: c.383G>T, p.Gly128Val (NM_001406937.1, NM_001406938.1, NM_001406939.1); c.209G>T, p.Gly70Val (NM_001406940.1, NM_001406941.1); short protein forms G70V, G128V.
Identifiers: ClinVar variation 2765394 (VCV002765394.3), dbSNP rs869025485, ClinGen allele CA352496283.
Genomic context (GRCh38, chr3:46,859,573, plus strand): 5'-ACAGTGCCATTGCCCTCCTTGTCGAAGACCCGCAGCCCCTCCACGAAGTCCTCATAGGTG[C>A]CTGTGTCCTTGTTCTTGGAAATGTGCTGGAGCATAGGCAGGAAAGTTTCAAAGTCCATCA-3'
Protein context (NP_000249.1, residues 118-138): LQHISKNKDT[Gly128Val]TYEDFVEGLR

ClinVar aggregate classification (germline): Uncertain significance (1 of 4 stars; one submission).

Conditions:
Hypertrophic cardiomyopathy. Also called: HYPERTROPHIC MYOCARDIOPATHY. Identifiers: Orphanet 217569, MedGen C0007194, MeSH D002312, MONDO:0005045, HP:0001639.

Submission:

Labcorp Genetics (formerly Invitae), Labcorp
Classification: Uncertain significance for Hypertrophic cardiomyopathy. Last evaluated: 2023-06-04. Review status: criteria provided, single submitter. Criteria: Invitae Variant Classification Sherloc (09022015). Collection method: clinical testing. Allele origin: germline.
Comment: This variant disrupts the p.Gly128 amino acid residue in MYL3. Other variant(s) that disrupt this residue have been observed in individuals with MYL3-related conditions (PMID: 21896538; Invitae), which suggests that this may be a clinically significant amino acid residue. An algorithm developed to predict the effect of missense changes on protein structure and function (PolyPhen-2) suggests that this variant is likely to be disruptive. This missense change has been observed in individual(s) with clinical features of hypertrophic cardiomyopathy (Invitae). This variant is not present in population databases (gnomAD no frequency). This sequence change replaces glycine, which is neutral and non-polar, with valine, which is neutral and non-polar, at codon 128 of the MYL3 protein (p.Gly128Val). In summary, the available evidence is currently insufficient to determine the role of this variant in disease. Therefore, it has been classified as a Variant of Uncertain Significance.

Literature cited by the submitters: PubMed 21896538.